The following is an entry in ClinVar:

NM_001042492.3(NF1):c.3119A>C (p.Lys1040Thr)

Gene: NF1 (neurofibromin 1; plus strand). Cytogenetic location: 17q11.2.
Variant type: single nucleotide variant.
Coding change: c.3119A>C on transcript NM_001042492.3 (MANE Select); coding-DNA position 3119, A replaced by C.
Protein change: p.Lys1040Thr; replaces lysine 1040 with threonine.
Molecular consequence: missense variant.
Genome position (GRCh38, 1-based): chr17:31,230,847, A>C. VCF-style: chr17-31230847-A-C. GRCh37 (hg19) VCF-style: chr17-29557865-A-C.
Other names: c.3119A>C, p.Lys1040Thr (NM_000267.4); short protein forms K1040T.
Identifiers: ClinVar variation 1727825 (VCV001727825.7), dbSNP rs2067101256, ClinGen allele CA398987861.

ClinVar aggregate classification (germline): Conflicting classifications of pathogenicity. Review status: criteria provided, conflicting classifications (1 of 4 stars). 2 submissions from 2 submitters: Likely pathogenic (1); Uncertain significance (1). Last evaluated 2022-09-04.

Conditions:
Cardiovascular phenotype. Identifiers: MedGen CN230736.
Hereditary cancer-predisposing syndrome. Also called: Neoplastic Syndromes, Hereditary; Tumor predisposition; Hereditary Cancer Syndrome; Hereditary neoplastic syndrome. Identifiers: Orphanet 140162, MedGen C0027672, MeSH D009386, MONDO:0015356.
Neurofibromatosis, type 1 (NF1). Also called: VON RECKLINGHAUSEN DISEASE; NEUROFIBROMATOSIS, TYPE I, SOMATIC; Neurofibromatosis, type I; Peripheral type neurofibromatosis. Identifiers: Orphanet 636, MedGen C0027831, MONDO:0018975, OMIM 162200. Disease mechanism: loss of function.

Submissions (2):

Labcorp Genetics (formerly Invitae), Labcorp
Classification: Likely pathogenic for Neurofibromatosis, type 1. Last evaluated: 2022-09-04. Review status: criteria provided, single submitter. Criteria: Invitae Variant Classification Sherloc (09022015). Collection method: clinical testing. Allele origin: germline.
Comment: In summary, the currently available evidence indicates that the variant is pathogenic, but additional data are needed to prove that conclusively. Therefore, this variant has been classified as Likely Pathogenic. This variant disrupts the p.Lys1040 amino acid residue in NF1. Other variant(s) that disrupt this residue have been determined to be pathogenic (Invitae). This suggests that this residue is clinically significant, and that variants that disrupt this residue are likely to be disease-causing. Advanced modeling of protein sequence and biophysical properties (such as structural, functional, and spatial information, amino acid conservation, physicochemical variation, residue mobility, and thermodynamic stability) performed at Invitae indicates that this missense variant is expected to disrupt NF1 protein function. This variant has not been reported in the literature in individuals affected with NF1-related conditions. This variant is not present in population databases (gnomAD no frequency). This sequence change replaces lysine, which is basic and polar, with threonine, which is neutral and polar, at codon 1040 of the NF1 protein (p.Lys1040Thr).

Ambry Genetics
Classification: Uncertain significance for Cardiovascular phenotype; Hereditary cancer-predisposing syndrome. Last evaluated: 2016-10-13. Review status: criteria provided, single submitter. Criteria: Ambry Variant Classification Scheme 2023. Collection method: clinical testing. Allele origin: germline.
Comment: The p.K1040T variant (also known as c.3119A>C), located in coding exon 24 of the NF1 gene, results from an A to C substitution at nucleotide position 3119. The lysine at codon 1040 is replaced by threonine, an amino acid with similar properties. This variant was not reported in population based cohorts in the following databases: Database of Single Nucleotide Polymorphisms (dbSNP), NHLBI Exome Sequencing Project (ESP), and 1000 Genomes Project. In the ESP, this variant was not observed in 6500 samples (13000 alleles) with coverage at this position. To date, this alteration has been detected with an allele frequency of approximately 0.001% (greater than 175000 alleles tested) in our clinical cohort. This amino acid position is highly conserved in available vertebrate species. In addition, the in silico prediction for this alteration is inconclusive. Since supporting evidence is limited at this time, the clinical significance of this alteration remains unclear.